The following is an entry in ClinVar:

ClinVar aggregate classification (germline): Conflicting classifications of pathogenicity. Review status: criteria provided, conflicting classifications (1 of 4 stars). 2 submissions from 2 submitters: Uncertain significance (1); Likely benign (1). Last evaluated 2026-01-01.

Conditions:
Complement component 5 deficiency. Also called: C5 DEFICIENCY. Identifiers: MedGen C0343047, MONDO:0012295, OMIM 609536.

Allele frequency attached by ClinVar (database versions not stated): TOPMed 0.00006; gnomAD 0.00016; gnomAD exomes 0.00032 and 0.00063; ExAC 0.00077; 1000 Genomes Project 0.00140; 1000 Genomes Project 30x 0.00141.
gnomAD v4.1: 489 of 1,611,186 alleles (0.03%); highest among the groups gnomAD compares: South Asian, 0.51%; 4 homozygotes.

Submissions (2):

Labcorp Genetics (formerly Invitae), Labcorp
Classification: Likely benign. Last evaluated: 2026-01-01. Review status: criteria provided, single submitter. Criteria: Invitae Variant Classification Sherloc (09022015). Collection method: clinical testing. Allele origin: germline.

Neuberg Centre For Genomic Medicine, NCGM
Classification: Uncertain significance for Complement component 5 deficiency. Review status: criteria provided, single submitter. Criteria: ACMG Guidelines, 2015. Collection method: clinical testing. Allele origin: germline. Inheritance: Autosomal recessive inheritance. Affected: yes.
Comment: The missense c.64A>G(p.Thr22Ala) variant in C5 gene has not been reported previously as a pathogenic variant nor as a benign variant, to our knowledge. The variant is observed in 0.06% in gnomAD Exomes and is novel (not in any individuals) in 1000 Genomes. The amino acid Thr at position 22 is changed to a Ala changing protein sequence and it might alter its composition and physicochemical properties. For these reasons, this variant has been classified as Uncertain Significance.

NM_001735.3(C5):c.64A>G (p.Thr22Ala)

Gene: C5 (complement C5; minus strand). Cytogenetic location: 9q33.2.
Variant type: single nucleotide variant.
Coding change: c.64A>G on transcript NM_001735.3 (MANE Select); coding-DNA position 64, A replaced by G.
Protein change: p.Thr22Ala; replaces threonine 22 with alanine.
Molecular consequence: missense variant. On other transcripts: intron variant (1).
Genome position (GRCh38, 1-based): chr9:121,050,183, T>C on the plus strand (A>G on the coding strand, the complement: C5 is on the minus strand). VCF-style: chr9-121050183-T-C. GRCh37 (hg19) VCF-style: chr9-123812461-T-C.
Other names: c.64A>G, p.Thr22Ala (NM_001317164.2); c.84-3800A>G (NM_001317163.2); short protein forms T22A.
Identifiers: ClinVar variation 1579708 (VCV001579708.8), dbSNP rs564964646, ClinGen allele CA5218498.
Genomic context (GRCh38, chr9:121,050,183, plus strand): 5'-ACTCTTCATTCGTCATAACTAAGATGCATTGAAAAATGAAGATAGCTTGTTTTACTTACG[T>C]TTGCTCCTGTCCCCAGGTTTTCCCCAGGAAGATTAAAAAACAAAGTATTCCCAAAAGGCC-3'
Protein context (NP_001726.2, residues 12-32): FLGKTWGQEQ[Thr22Ala]YVISAPKIFR